The following is an entry in ClinVar:

NM_001042492.3(NF1):c.372del (p.Arg125fs)

Gene: NF1 (neurofibromin 1; plus strand). Cytogenetic location: 17q11.2.
Variant type: Deletion.
Coding change: c.372del on transcript NM_001042492.3 (MANE Select); coding-DNA position 372, one base deleted (T; older notation c.372delT).
Protein change: p.Arg125fs; shifts the reading frame from arginine 125.
Molecular consequence: frameshift variant.
Genome position (GRCh38, 1-based): chr17:31,163,269, T deleted. VCF-style (leftmost placement, unchanged base first): chr17-31163268-GT-G. GRCh37 (hg19) VCF-style: chr17-29490286-GT-G.
Other names: c.372delT (NM_000267.3); c.372delT, p.Arg125Valfs (NM_000267.4); c.372del, p.Arg125fs (NM_001128147.3); short protein forms R125fs.
Identifiers: ClinVar variation 1734373 (VCV001734373.2), dbSNP rs2544700816, ClinGen allele CA2580092843.
Genomic context (GRCh38, chr17:31,163,268, plus strand): 5'-TAGATGAAACGATGCTGGTCAAACAGTTGCTGCCAGAAATCTGCCATTTTCTTCACACCT[GT>G]CGTGAAGGAAACCAGCATGCAGCTGAACTTCGGAATTCTGCCTCTGGGGTTTTATTTTCT-3'

ClinVar aggregate classification (germline): Pathogenic (1 of 4 stars; one submission).

Conditions:
Hereditary cancer-predisposing syndrome. Also called: Neoplastic Syndromes, Hereditary; Tumor predisposition; Hereditary Cancer Syndrome; Hereditary neoplastic syndrome. Identifiers: Orphanet 140162, MedGen C0027672, MeSH D009386, MONDO:0015356.
Cardiovascular phenotype. Identifiers: MedGen CN230736.

Submission:

Ambry Genetics
Classification: Pathogenic for Cardiovascular phenotype; Hereditary cancer-predisposing syndrome. Last evaluated: 2021-06-01. Review status: criteria provided, single submitter. Criteria: Ambry Variant Classification Scheme 2023. Collection method: clinical testing. Allele origin: germline.
Comment: The c.372delT pathogenic mutation, located in coding exon 4 of the NF1 gene, results from a deletion of one nucleotide at nucleotide position 372, causing a translational frameshift with a predicted alternate stop codon (p.R125Vfs*40). This variant is considered to be rare based on population cohorts in the Genome Aggregation Database (gnomAD). This alteration is expected to result in loss of function by premature protein truncation or nonsense-mediated mRNA decay. As such, this alteration is interpreted as a disease-causing mutation.